The following is an entry in ClinVar:

NM_001077415.3(CRELD1):c.784T>C (p.Cys262Arg)

Gene: CRELD1 (cysteine rich with EGF like domains 1; plus strand). Cytogenetic location: 3p25.3.
Variant type: single nucleotide variant.
Coding change: c.784T>C on transcript NM_001077415.3 (MANE Select); coding-DNA position 784, T replaced by C.
Protein change: p.Cys262Arg; replaces cysteine 262 with arginine.
Molecular consequence: missense variant. On other transcripts: non-coding transcript variant (3), intron variant (2).
Genome position (GRCh38, 1-based): chr3:9,942,863, T>C. VCF-style: chr3-9942863-T-C. GRCh37 (hg19) VCF-style: chr3-9984547-T-C.
Other names: c.784T>C, p.Cys262Arg (NM_001031717.4, NM_001374316.1, NM_001374317.1 and 2 more transcripts); c.734-214T>C (NM_001374319.1, NM_001374320.1); short protein forms C262R.
Identifiers: ClinVar variation 1308176 (VCV001308176.6), dbSNP rs2124858642, ClinGen allele CA351722534.

ClinVar aggregate classification (germline): Conflicting classifications of pathogenicity. Review status: criteria provided, conflicting classifications (1 of 4 stars). 3 submissions from 3 submitters: Likely pathogenic (1); Uncertain significance (1). 1 of the submissions does not count toward it. Last evaluated 2025-02-27.

Conditions:
Jeffries-Lakhani neurodevelopmental syndrome. Identifiers: MedGen C5935596, MONDO:0958329, OMIM 620771.
Inborn genetic diseases. Identifiers: MedGen C0950123, MeSH D030342.

Submissions (3):

GeneDx
Classification: Likely pathogenic. Last evaluated: 2025-02-27. Review status: criteria provided, single submitter. Criteria: GeneDx Variant Classification Process June 2021. Collection method: clinical testing. Allele origin: germline. Affected: yes.
Comment: Observed with a pathogenic or likely pathogenic variant on the opposite allele (in trans) in a patient with features consistent with CRELD1-related neurodevelopmental disorder with multiple anomalies in the published literature (PMID: 37947183); In silico analysis supports that this missense variant has a deleterious effect on protein structure/function; Not observed at significant frequency in large population cohorts (gnomAD); This variant is associated with the following publications: (PMID: 37947183)

Ambry Genetics
Classification: Uncertain significance for Inborn genetic diseases. Last evaluated: 2023-01-11. Review status: criteria provided, single submitter. Criteria: Ambry Variant Classification Scheme 2023. Collection method: clinical testing. Allele origin: germline.

OMIM
Classification: Pathogenic for JEFFRIES-LAKHANI NEURODEVELOPMENTAL SYNDROME. Last evaluated: 2024-03-29. Review status: no assertion criteria provided. Collection method: literature only. Allele origin: germline. Not counted in ClinVar's aggregate classification.

Literature cited by the submitters: PubMed 37947183 (cited by OMIM).